The following is an entry in ClinVar:

NM_000182.5(HADHA):c.667G>T (p.Glu223Ter)

Gene: HADHA (hydroxyacyl-CoA dehydrogenase trifunctional multienzyme complex subunit alpha; minus strand). Cytogenetic location: 2p23.3.
Variant type: single nucleotide variant.
Coding change: c.667G>T on transcript NM_000182.5 (MANE Select); coding-DNA position 667, G replaced by T.
Protein change: p.Glu223Ter; replaces glutamic acid 223 with a stop codon.
Molecular consequence: nonsense.
Genome position (GRCh38, 1-based): chr2:26,230,201, C>A on the plus strand (G>T on the coding strand, the complement: HADHA is on the minus strand). VCF-style: chr2-26230201-C-A. GRCh37 (hg19) VCF-style: chr2-26453069-C-A.
Other names: short protein forms E223*.
Identifiers: ClinVar variation 983588 (VCV000983588.4), dbSNP rs1670587952, ClinGen allele CA346092178.

ClinVar aggregate classification (germline): Likely pathogenic (1 of 4 stars; one submission).

Conditions:
Long chain 3-hydroxyacyl-CoA dehydrogenase deficiency. Also called: LCHAD Deficiency; Deficiency of long-chain 3-hydroxyacyl-coenzyme A dehydrogenase. Identifiers: Orphanet 5, MedGen C3711645, MONDO:0012173, OMIM 609016.

Submission:

Myriad Genetics, Inc.
Classification: Likely pathogenic for Long chain 3-hydroxyacyl-CoA dehydrogenase deficiency. Last evaluated: 2019-06-01. Review status: criteria provided, single submitter. Criteria: Myriad Autosomal Dominant, Autosomal Recessive and X-Linked Classification Criteria (2023). Collection method: clinical testing. Allele origin: unknown.
Comment: NM_000182.4(HADHA):c.667G>T(E223*) is expected to be pathogenic in the context of HADHA-related disorders. This variant is predicted to lead to an abnormal or absent protein product due to the creation of a premature termination codon in HADHA, a gene where loss-of-function variants are known to be pathogenic. Please note: this variant was assessed in the context of healthy population screening.